The following is an entry in ClinVar:

ClinVar aggregate classification (germline): Conflicting classifications of pathogenicity. Review status: criteria provided, conflicting classifications (1 of 4 stars). 4 submissions from 4 submitters: Uncertain significance (2); Likely benign (1). 1 of the submissions does not count toward it. Last evaluated 2025-01-08.

Conditions:
Autosomal recessive polycystic kidney disease (ARPKD). Also called: AR polycystic kidney disease. Identifiers: Orphanet 731, Orphanet 8378, MedGen C0085548, MeSH D017044, MONDO:0009889.
PKHD1-related disorder. Also called: PKHD1-related condition.

Allele frequency attached by ClinVar (database versions not stated): gnomAD 0.00003; ExAC 0.00011; gnomAD exomes 0.00011; TOPMed 0.00004.
gnomAD v4.1: 69 of 1,614,062 alleles (0.0043%); highest among the groups gnomAD compares: Admixed American, 0.048%; no homozygotes.

Submissions (4):

Labcorp Genetics (formerly Invitae), Labcorp
Classification: Likely benign for Autosomal recessive polycystic kidney disease. Last evaluated: 2025-01-08. Review status: criteria provided, single submitter. Criteria: Invitae Variant Classification Sherloc (09022015). Collection method: clinical testing. Allele origin: germline.

GeneDx
Classification: Uncertain significance. Last evaluated: 2024-05-15. Review status: criteria provided, single submitter. Criteria: GeneDx Variant Classification Process June 2021. Collection method: clinical testing. Allele origin: germline.
Comment: Reported in a patient with polycystic kidney disease with limited case-level information provided (PMID: 15805161); In silico analysis supports that this missense variant does not alter protein structure/function; This variant is associated with the following publications: (PMID: 15805161)

Women's Health and Genetics/Laboratory Corporation of America, LabCorp
Classification: Uncertain significance. Last evaluated: 2022-07-12. Review status: criteria provided, single submitter. Criteria: LabCorp Variant Classification Summary - May 2015. Collection method: clinical testing. Allele origin: germline.
Comment: Variant summary: PKHD1 c.4039G>A (p.Val1347Met) results in a conservative amino acid change in the encoded protein sequence. Five of five in-silico tools predict a benign effect of the variant on protein function. The variant allele was found at a frequency of 0.00012 in 251314 control chromosomes (gnomAD, Sharp_2005). This frequency is not significantly higher than expected for a pathogenic variant in PKHD1 causing Polycystic Kidney And Hepatic Disease (0.00012 vs 0.0071), allowing no conclusion about variant significance. c.4039G>A has been reported in the literature in individuals affected with Polycystic Kidney Disease (Sharp_2005). This report does not provide unequivocal conclusions about association of the variant with Polycystic Kidney And Hepatic Disease. To our knowledge, no experimental evidence demonstrating an impact on protein function has been reported. One ClinVar submitter has assessed the variant since 2014: the variant was classified as likely benign. Based on the evidence outlined above, the variant was classified as uncertain significance.

PreventionGenetics, part of Exact Sciences
Classification: Uncertain significance for PKHD1-related condition. Last evaluated: 2024-03-13. Review status: no assertion criteria provided. Collection method: clinical testing. Allele origin: germline. Not counted in ClinVar's aggregate classification.
Comment: The PKHD1 c.4039G>A variant is predicted to result in the amino acid substitution p.Val1347Met. This variant was reported in an individual with polycystic kidney disease; however, it is unclear whether this variant occurred as a single allele or in the biallelic state and no additional evidence was provided to support pathogenicity (Sharp et al 2005. PubMed ID: 15805161). This variant is reported in 0.073% of alleles in individuals of Latino descent in gnomAD. At this time, the clinical significance of this variant is uncertain due to the absence of conclusive functional and genetic evidence.

Literature cited by the submitters: PubMed 15805161 (cited by Women's Health and Genetics/Laboratory Corporation of America, LabCorp).

NM_138694.4(PKHD1):c.4039G>A (p.Val1347Met)

Gene: PKHD1 (PKHD1 ciliary IPT domain containing fibrocystin/polyductin; minus strand). Cytogenetic location: 6p12.2.
Variant type: single nucleotide variant.
Coding change: c.4039G>A on transcript NM_138694.4 (MANE Select); coding-DNA position 4039, G replaced by A.
Protein change: p.Val1347Met; replaces valine 1347 with methionine.
Molecular consequence: missense variant.
Genome position (GRCh38, 1-based): chr6:52,025,771, C>T on the plus strand (G>A on the coding strand, the complement: PKHD1 is on the minus strand). VCF-style: chr6-52025771-C-T. GRCh37 (hg19) VCF-style: chr6-51890569-C-T.
Other names: c.4039G>A, p.Val1347Met (NM_170724.3); short protein forms V1347M.
Identifiers: ClinVar variation 1591256 (VCV001591256.12), dbSNP rs201087689, ClinGen allele CA3852790.